The following is an entry in ClinVar:

NM_001036.6(RYR3):c.5417_5418delinsCA (p.Gln1806Pro)

Gene: RYR3 (ryanodine receptor 3; plus strand). Cytogenetic location: 15q14.
Variant type: Indel.
Coding change: c.5417_5418delinsCA on transcript NM_001036.6 (MANE Select); coding-DNA positions 5417 to 5418, AG replaced by CA.
Protein change: p.Gln1806Pro; replaces glutamine 1806 with proline.
Molecular consequence: missense variant.
Genome position (GRCh38, 1-based): chr15:33,662,947-33,662,948, AG replaced by CA. VCF-style: chr15-33662947-AG-CA. GRCh37 (hg19) VCF-style: chr15-33955148-AG-CA.
Other names: c.5417_5418delinsCA, p.Gln1806Pro (NM_001243996.4); short protein forms Q1806P.
Identifiers: ClinVar variation 661220 (VCV000661220.7), dbSNP rs1596036635, ClinGen allele CA915946499.

ClinVar aggregate classification (germline): Uncertain significance (1 of 4 stars; one submission).

Conditions:
Epileptic encephalopathy. Identifiers: MedGen C0543888, HP:0200134.

Submission:

Labcorp Genetics (formerly Invitae), Labcorp
Classification: Uncertain significance for Epileptic encephalopathy. Last evaluated: 2018-09-21. Review status: criteria provided, single submitter. Criteria: Invitae Variant Classification Sherloc (09022015). Collection method: clinical testing. Allele origin: germline.
Comment: In summary, the available evidence is currently insufficient to determine the role of this variant in disease. Therefore, it has been classified as a Variant of Uncertain Significance. Nucleotide substitutions within the consensus splice site are a relatively common cause of aberrant splicing (PMID: 17576681, 9536098). Algorithms developed to predict the effect of sequence changes on RNA splicing suggest that this variant may disrupt the consensus splice site, but this prediction has not been confirmed by published transcriptional studies. This variant has not been reported in the literature in individuals with RYR3-related disease. Algorithms developed to predict the effect of missense changes on protein structure and function are either unavailable or do not agree on the potential impact of this missense change (SIFT: Not Available; PolyPhen-2: "Possibly Damaging"; Align-GVGD: Not Available). This variant is not present in population databases (ExAC no frequency). This sequence change replaces glutamine with proline at codon 1806 of the RYR3 protein (p.Gln1806Pro). The glutamine residue is highly conserved and there is a moderate physicochemical difference between glutamine and proline. This variant also falls at the last nucleotide of exon 35 of the RYR3 coding sequence, which is part of the consensus splice site for this exon.

Literature cited by the submitters: PubMed 17576681; PubMed 9536098.